The following is an entry in ClinVar:

NM_001127208.3(TET2):c.3140C>A (p.Thr1047Asn)

Genes: TET2 (tet methylcytosine dioxygenase 2; plus strand), TET2-AS1 (TET2 antisense RNA 1; minus strand). Cytogenetic location: 4q24.
Variant type: single nucleotide variant.
Coding change: c.3140C>A on transcript NM_001127208.3 (MANE Select); coding-DNA position 3140, C replaced by A.
Protein change: p.Thr1047Asn; replaces threonine 1047 with asparagine.
Molecular consequence: missense variant.
Genome position (GRCh38, 1-based): chr4:105,237,082, C>A. VCF-style: chr4-105237082-C-A. GRCh37 (hg19) VCF-style: chr4-106158239-C-A.
Other names: c.3140C>A, p.Thr1047Asn (NM_017628.4); short protein forms T1047N.
Identifiers: ClinVar variation 4594166 (VCV004594166.1).

ClinVar aggregate classification (germline): Uncertain significance (1 of 4 stars; one submission).

Submission:

Ambry Genetics
Classification: Uncertain significance. Last evaluated: 2025-10-21. Review status: criteria provided, single submitter. Criteria: Ambry Variant Classification Scheme 2023. Collection method: clinical testing. Allele origin: germline.
Comment: The p.T1047N variant (also known as c.3140C>A), located in coding exon 1 of the TET2 gene, results from a C to A substitution at nucleotide position 3140. The threonine at codon 1047 is replaced by asparagine, an amino acid with similar properties. This amino acid position is conserved. In addition, this alteration is predicted to be tolerated by in silico analysis. Based on the available evidence, the clinical significance of this variant remains unclear.